The following is an entry in ClinVar:

ClinVar aggregate classification (germline): Conflicting classifications of pathogenicity. Review status: criteria provided, conflicting classifications (1 of 4 stars). 3 submissions from 3 submitters: Uncertain significance (1); Likely benign (1). 1 of the submissions does not count toward it. Last evaluated 2024-08-05.

Conditions:
C2CD3-related disorder. Also called: C2CD3-related condition.

Allele frequency attached by ClinVar (database versions not stated): gnomAD 0.00004 and 0.00005; gnomAD exomes 0.00004 and 0.00022; TOPMed 0.00009; ExAC 0.00020.
gnomAD v4.1: 64 of 1,608,652 alleles (0.004%); highest among the groups gnomAD compares: East Asian, 0.13%; no homozygotes.

Submissions (3):

Labcorp Genetics (formerly Invitae), Labcorp
Classification: Likely benign. Last evaluated: 2024-08-05. Review status: criteria provided, single submitter. Criteria: Invitae Variant Classification Sherloc (09022015). Collection method: clinical testing. Allele origin: germline.

Eurofins Ntd Llc (ga)
Classification: Uncertain significance. Last evaluated: 2016-07-13. Review status: criteria provided, single submitter. Criteria: EGL Classification Definitions 2015. Collection method: clinical testing. Allele origin: germline. Observed: 1 variant allele, 1 heterozygote.

PreventionGenetics, part of Exact Sciences
Classification: Likely benign for C2CD3-related condition. Last evaluated: 2022-10-14. Review status: no assertion criteria provided. Collection method: clinical testing. Allele origin: germline. Not counted in ClinVar's aggregate classification.
Comment: This variant is classified as likely benign based on ACMG/AMP sequence variant interpretation guidelines (Richards et al. 2015 PMID: 25741868, with internal and published modifications).

NM_001286577.2(C2CD3):c.3929T>C (p.Ile1310Thr)

Gene: C2CD3 (C2 domain containing 3 centriole elongation regulator; minus strand). Cytogenetic location: 11q13.4.
Variant type: single nucleotide variant.
Coding change: c.3929T>C on transcript NM_001286577.2 (MANE Select); coding-DNA position 3929, T replaced by C.
Protein change: p.Ile1310Thr; replaces isoleucine 1310 with threonine.
Molecular consequence: missense variant.
Genome position (GRCh38, 1-based): chr11:74,084,952, A>G on the plus strand (T>C on the coding strand, the complement: C2CD3 is on the minus strand). VCF-style: chr11-74084952-A-G. GRCh37 (hg19) VCF-style: chr11-73795997-A-G.
Other names: c.3929T>C, p.Ile1310Thr (NM_015531.6); c.3929T>C (NM_015531.5); short protein forms I1310T.
Identifiers: ClinVar variation 288485 (VCV000288485.14), dbSNP rs757220593, ClinGen allele CA6182260.